The following is an entry in ClinVar:

ClinVar aggregate classification (germline): Likely benign. Review status: criteria provided, multiple submitters, no conflicts (2 of 4 stars). 3 submissions from 3 submitters: Likely benign (3). Last evaluated 2026-02-02.

Allele frequency attached by ClinVar (database versions not stated): gnomAD 0.00001 and 0.00002; TOPMed 0.00003.
gnomAD v4.1: 55 of 1,209,203 alleles (0.0045%); highest among the groups gnomAD compares: Middle Eastern, 0.18%; no homozygotes.

Submissions (3):

Women's Health and Genetics/Laboratory Corporation of America, LabCorp
Classification: Likely benign. Last evaluated: 2026-02-02. Review status: criteria provided, single submitter. Criteria: LabCorp Variant Classification Summary - May 2015. Collection method: clinical testing. Allele origin: germline.

Blueprint Genetics
Classification: Likely benign. Last evaluated: 2024-07-15. Review status: criteria provided, single submitter. Criteria: ACMG Guidelines, 2015. Collection method: clinical testing. Allele origin: germline.

CeGaT Center for Human Genetics Tuebingen
Classification: Likely benign. Last evaluated: 2023-03-01. Review status: criteria provided, single submitter. Criteria: CeGaT Center For Human Genetics Tuebingen Variant Classification Criteria Version 2. Collection method: clinical testing. Allele origin: germline. Affected: yes. Observed: 1 variant allele.
Comment: F8: BP4, BP7, BS2

NM_000132.4(F8):c.2550G>T (p.Leu850=)

Gene: F8 (coagulation factor VIII; minus strand). Cytogenetic location: Xq28.
Variant type: single nucleotide variant.
Coding change: c.2550G>T on transcript NM_000132.4 (MANE Select); coding-DNA position 2550, G replaced by T.
Protein change: p.Leu850=; no amino-acid change (leucine 850 retained).
Molecular consequence: synonymous variant.
Genome position (GRCh38, 1-based): chrX:154,931,240, C>A on the plus strand (G>T on the coding strand, the complement: F8 is on the minus strand). VCF-style: chrX-154931240-C-A. GRCh37 (hg19) VCF-style: chrX-154159515-C-A.
Identifiers: ClinVar variation 1695327 (VCV001695327.27), dbSNP rs782777398, ClinGen allele CA10568306.